The following is an entry in ClinVar:

NM_005754.3(G3BP1):c.763A>G (p.Thr255Ala)

Gene: G3BP1 (G3BP stress granule assembly factor 1; plus strand). Cytogenetic location: 5q33.1.
Variant type: single nucleotide variant.
Coding change: c.763A>G on transcript NM_005754.3 (MANE Select); coding-DNA position 763, A replaced by G.
Protein change: p.Thr255Ala; replaces threonine 255 with alanine.
Molecular consequence: missense variant.
Genome position (GRCh38, 1-based): chr5:151,799,233, A>G. VCF-style: chr5-151799233-A-G. GRCh37 (hg19) VCF-style: chr5-151178794-A-G.
Other names: c.763A>G, p.Thr255Ala (NM_198395.2); short protein forms T255A.
Identifiers: ClinVar variation 4755884 (VCV004755884.1).

ClinVar aggregate classification (germline): Uncertain significance (1 of 4 stars; one submission).

Submission:

GeneDx
Classification: Uncertain significance. Last evaluated: 2025-08-04. Review status: criteria provided, single submitter. Criteria: GeneDx Variant Classification Process June 2021. Collection method: clinical testing. Allele origin: germline. Affected: yes.
Comment: Not observed at significant frequency in large population cohorts (gnomAD); In silico analysis suggests that this missense variant does not alter protein structure/function; Has not been previously published as pathogenic or benign to our knowledge.